The following is an entry in ClinVar:

ClinVar aggregate classification (germline): Uncertain significance. Review status: criteria provided, multiple submitters, no conflicts (2 of 4 stars). 3 submissions from 3 submitters: Uncertain significance (3). Last evaluated 2023-06-13.

Conditions:
Inborn genetic diseases. Identifiers: MedGen C0950123, MeSH D030342.
Chédiak-Higashi syndrome (CHS). Also called: Chediak-Higashi Syndrome. Identifiers: Orphanet 167, MedGen C0007965, MONDO:0008963, OMIM 214500.

Submissions (3):

GeneDx
Classification: Uncertain significance. Last evaluated: 2023-06-13. Review status: criteria provided, single submitter. Criteria: GeneDx Variant Classification Process June 2021. Collection method: clinical testing. Allele origin: germline. Affected: yes.
Comment: Not observed at significant frequency in large population cohorts (gnomAD); In silico analysis supports that this missense variant has a deleterious effect on protein structure/function; Has not been previously published as pathogenic or benign to our knowledge

Ambry Genetics
Classification: Uncertain significance for Inborn genetic diseases. Last evaluated: 2023-03-27. Review status: criteria provided, single submitter. Criteria: Ambry Variant Classification Scheme 2023. Collection method: clinical testing. Allele origin: germline.

Labcorp Genetics (formerly Invitae), Labcorp
Classification: Uncertain significance for Chédiak-Higashi syndrome. Last evaluated: 2022-04-07. Review status: criteria provided, single submitter. Criteria: Invitae Variant Classification Sherloc (09022015). Collection method: clinical testing. Allele origin: germline.
Comment: This sequence change replaces proline, which is neutral and non-polar, with arginine, which is basic and polar, at codon 936 of the LYST protein (p.Pro936Arg). This variant is not present in population databases (gnomAD no frequency). This variant has not been reported in the literature in individuals affected with LYST-related conditions. Algorithms developed to predict the effect of missense changes on protein structure and function are either unavailable or do not agree on the potential impact of this missense change (SIFT: "Deleterious"; PolyPhen-2: "Probably Damaging"; Align-GVGD: "Class C0"). In summary, the available evidence is currently insufficient to determine the role of this variant in disease. Therefore, it has been classified as a Variant of Uncertain Significance.

NM_000081.4(LYST):c.2807C>G (p.Pro936Arg)

Gene: LYST (lysosomal trafficking regulator; minus strand). Cytogenetic location: 1q42.3.
Variant type: single nucleotide variant.
Coding change: c.2807C>G on transcript NM_000081.4 (MANE Select); coding-DNA position 2807, C replaced by G.
Protein change: p.Pro936Arg; replaces proline 936 with arginine.
Molecular consequence: missense variant.
Genome position (GRCh38, 1-based): chr1:235,806,329, G>C on the plus strand (C>G on the coding strand, the complement: LYST is on the minus strand). VCF-style: chr1-235806329-G-C. GRCh37 (hg19) VCF-style: chr1-235969629-G-C.
Other names: c.2807C>G, p.Pro936Arg (NM_001301365.1); c.2807C>G (NM_000081.2); short protein forms P936R.
Identifiers: ClinVar variation 1950333 (VCV001950333.5), dbSNP rs769041317, ClinGen allele CA344955162.